The following is an entry in ClinVar:

NM_005632.3(CAPN15):c.2964G>A (p.Val988=)

Gene: CAPN15 (calpain 15; plus strand). Cytogenetic location: 16p13.3.
Variant type: single nucleotide variant.
Coding change: c.2964G>A on transcript NM_005632.3 (MANE Select); coding-DNA position 2964, G replaced by A.
Protein change: p.Val988=; no amino-acid change (valine 988 retained).
Molecular consequence: synonymous variant.
Genome position (GRCh38, 1-based): chr16:552,922, G>A. VCF-style: chr16-552922-G-A. GRCh37 (hg19) VCF-style: chr16-602922-G-A.
Identifiers: ClinVar variation 5039616 (VCV005039616.1).

ClinVar aggregate classification (germline): Likely benign (1 of 4 stars; one submission).

gnomAD v4.1: 34 of 1,611,744 alleles (0.0021%); highest among the groups gnomAD compares: Non-Finnish European, 0.0027%; no homozygotes.

Submission:

CeGaT Center for Human Genetics Tuebingen
Classification: Likely benign. Last evaluated: 2026-08-01. Review status: criteria provided, single submitter. Criteria: CeGaT Center For Human Genetics Tuebingen Variant Classification Criteria Version 2. Collection method: clinical testing. Allele origin: germline. Affected: yes. Observed: 1 variant allele.
Comment: CAPN15: BP4, BP7